The following is an entry in ClinVar:

NM_000501.4(ELN):c.662dup (p.Tyr221Ter)

Gene: ELN (elastin; plus strand). Cytogenetic location: 7q11.23.
Variant type: Duplication.
Coding change: c.662dup on transcript NM_000501.4 (MANE Select); coding-DNA position 662, one base duplicated (A; older notation c.662dupA).
Protein change: p.Tyr221Ter; replaces tyrosine 221 with a stop codon.
Molecular consequence: nonsense. On other transcripts: intron variant (2).
Genome position (GRCh38, 1-based): chr7:74,047,693, A duplicated. VCF-style (leftmost placement, unchanged base first): chr7-74047692-T-TA. GRCh37 (hg19) VCF-style: chr7-73462022-T-TA.
Other names: c.632dup, p.Tyr211Ter (NM_001081752.3, NM_001278917.2); c.677dup, p.Tyr226Ter (NM_001081753.3, NM_001081754.3); c.662dup, p.Tyr221Ter (NM_001081755.3, NM_001278912.2, NM_001278915.2 and 1 more transcripts); c.647dup, p.Tyr216Ter (NM_001278914.2); c.530dup, p.Tyr177Ter (NM_001278918.2); c.644-449dup (NM_001278916.2); c.578-449dup (NM_001278913.2); short protein forms Y211*, Y216*, Y226*, Y177*, Y221*.
Identifiers: ClinVar variation 2845332 (VCV002845332.3), dbSNP rs2485449620, ClinGen allele CA2739266464.

ClinVar aggregate classification (germline): Pathogenic (1 of 4 stars; one submission).

Conditions:
Supravalvar aortic stenosis (SVAS). Also called: Supravalvar aortic stenosis, Eisenberg type. Identifiers: Orphanet 3193, MedGen C0003499, MONDO:0008504, OMIM 185500, HP:0004381.

Submission:

Labcorp Genetics (formerly Invitae), Labcorp
Classification: Pathogenic for Supravalvar aortic stenosis. Last evaluated: 2023-08-02. Review status: criteria provided, single submitter. Criteria: Invitae Variant Classification Sherloc (09022015). Collection method: clinical testing. Allele origin: germline.
Comment: For these reasons, this variant has been classified as Pathogenic. This variant has not been reported in the literature in individuals affected with ELN-related conditions. This variant is not present in population databases (gnomAD no frequency). This sequence change creates a premature translational stop signal (p.Tyr221*) in the ELN gene. It is expected to result in an absent or disrupted protein product. Loss-of-function variants in ELN are known to be pathogenic (PMID: 11175284).

Literature cited by the submitters: PubMed 11175284.